The following is an entry in ClinVar:

NM_001363118.2(SLC52A2):c.588C>G (p.Phe196Leu)

Gene: SLC52A2 (solute carrier family 52 member 2; plus strand).
Variant type: single nucleotide variant.
Coding change: c.588C>G on transcript NM_001363118.2 (MANE Select); coding-DNA position 588, C replaced by G.
Protein change: p.Phe196Leu; replaces phenylalanine 196 with leucine.
Molecular consequence: missense variant. On other transcripts: non-coding transcript variant (1), intron variant (5).
Other names: c.324C>G, p.Phe108Leu (NM_001410949.1); c.588C>G, p.Phe196Leu (NM_001438495.1, NM_001438496.1, NM_001438497.1 and 5 more transcripts); c.131-35C>G (NM_001438494.1, NM_001438089.1, NM_001438499.1 and 2 more transcripts); short protein forms F108L, F196L.
Identifiers: ClinVar variation 4686712 (VCV004686712.1).

ClinVar aggregate classification (germline): Uncertain significance (1 of 4 stars; one submission).

Conditions:
Brown-Vialetto-van Laere syndrome 2. Also called: Riboflavin transporter deficiency type 2; SPINOCEREBELLAR ATAXIA WITH BLINDNESS AND DEAFNESS 2. Identifiers: Orphanet 572543, Orphanet 97229, MedGen C3553538, MONDO:0013867, OMIM 614707.

Submission:

Department of Medical and Molecular Genetics, Dongguan Institute of Pediatrics
Classification: Uncertain significance for Brown-Vialetto-van Laere syndrome 2. Last evaluated: 2023-06-26. Review status: criteria provided, single submitter. Criteria: ACMG Guidelines, 2015. Collection method: clinical testing. Allele origin: germline. Inheritance: Autosomal recessive inheritance. Affected: yes.
Comment: The NM_001363118.2: c.588C>G variant is a missense substitution in the SLC52A2 gene, predicted to result in the amino acid change p.Phe196Leu. This variant is absent or present at an extremely low frequency in population databases (PM2_Supporting). Multiple lines of computational evidence support a deleterious effect, including a REVEL score of 0.72 (PP3). In summary, this variant meets the following ACMG/AMP criteria: PM2_Supporting, PP3, PM3. Based on this evidence, it is classified as a Variant of Uncertain Significance (VUS).

Literature cited by the submitters: PubMed 24253200.